The following is an entry in ClinVar:

NM_006393.3(NEBL):c.2624A>T (p.His875Leu)

Gene: NEBL (nebulette; minus strand). Cytogenetic location: 10p12.31.
Variant type: single nucleotide variant.
Coding change: c.2624A>T on transcript NM_006393.3 (MANE Select); coding-DNA position 2624, A replaced by T.
Protein change: p.His875Leu; replaces histidine 875 with leucine.
Molecular consequence: missense variant. On other transcripts: intron variant (9).
Genome position (GRCh38, 1-based): chr10:20,808,647, T>A on the plus strand (A>T on the coding strand, the complement: NEBL is on the minus strand). VCF-style: chr10-20808647-T-A. GRCh37 (hg19) VCF-style: chr10-21097576-T-A.
Other names: c.421+4122A>T (NM_001377326.1, NM_001377327.1, NM_001377328.1); c.529+4122A>T (NM_213569.2, NM_001173484.2); c.622+1159A>T (NM_001377322.1); c.472+4122A>T (NM_001377324.1); c.463+4122A>T (NM_001377325.1); c.481+4122A>T (NM_001377323.1); short protein forms H875L.
Identifiers: ClinVar variation 3404017 (VCV003404017.1).

ClinVar aggregate classification (germline): Uncertain significance (1 of 4 stars; one submission).

gnomAD v4.1: 2 of 1,612,976 alleles (0.00012%); highest among the groups gnomAD compares: Non-Finnish European, 0.00017%; no homozygotes.

Submission:

Ambry Genetics
Classification: Uncertain significance. Last evaluated: 2024-11-05. Review status: criteria provided, single submitter. Criteria: Ambry Variant Classification Scheme 2023. Collection method: clinical testing. Allele origin: germline.
Comment: The p.H875L variant (also known as c.2624A>T), located in coding exon 26 of the NEBL gene, results from an A to T substitution at nucleotide position 2624. The histidine at codon 875 is replaced by leucine, an amino acid with similar properties. This amino acid position is conserved. In addition, this alteration is predicted to be tolerated by in silico analysis. Based on the available evidence, the clinical significance of this variant remains unclear.